The following is an entry in ClinVar:

ClinVar aggregate classification (germline): Pathogenic (1 of 4 stars; one submission).

Conditions:
Episodic ataxia type 2 (EA2). Also called: ATAXIA, EPISODIC, WITH NYSTAGMUS; ATAXIA, FAMILIAL PAROXYSMAL; CEREBELLAR ATAXIA, PAROXYSMAL, ACETAZOLAMIDE-RESPONSIVE; CEREBELLOPATHY, HEREDITARY PAROXYSMAL; EPISODIC ATAXIA, NYSTAGMUS-ASSOCIATED; ACETAZOLAMIDE-RESPONSIVE HEREDITARY PAROXYSMAL CEREBELLAR ATAXIA. Identifiers: Orphanet 97, MedGen C1720416, MONDO:0007163, OMIM 108500.
Developmental and epileptic encephalopathy, 42 (DEE42A). Also called: Epileptic encephalopathy, early infantile, 42; DEVELOPMENTAL AND EPILEPTIC ENCEPHALOPATHY 42A; EPILEPTIC ENCEPHALOPATHY, EARLY INFANTILE, 42A. Identifiers: MedGen C4310716, MONDO:0014917, OMIM 617106.

Submission:

Labcorp Genetics (formerly Invitae), Labcorp
Classification: Pathogenic for Developmental and epileptic encephalopathy, 42; Episodic ataxia type 2. Last evaluated: 2022-06-15. Review status: criteria provided, single submitter. Criteria: Invitae Variant Classification Sherloc (09022015). Collection method: clinical testing. Allele origin: germline.
Comment: This sequence change creates a premature translational stop signal (p.Gly1042Alafs*28) in the CACNA1A gene. It is expected to result in an absent or disrupted protein product. Loss-of-function variants in CACNA1A are known to be pathogenic (PMID: 10371528, 19486177, 25735478, 27250579). This variant is not present in population databases (gnomAD no frequency). This variant has not been reported in the literature in individuals affected with CACNA1A-related conditions. For these reasons, this variant has been classified as Pathogenic.

Literature cited by the submitters: PubMed 10371528; PubMed 19486177; PubMed 25735478; PubMed 27250579.

NM_001127222.2(CACNA1A):c.3122del (p.Gly1041fs)

Gene: CACNA1A (calcium voltage-gated channel subunit alpha1 A; minus strand). Cytogenetic location: 19p13.13.
Variant type: Deletion.
Coding change: c.3122del on transcript NM_001127222.2 (MANE Select); coding-DNA position 3122, one base deleted (G; older notation c.3122delG).
Protein change: p.Gly1041fs; shifts the reading frame from glycine 1041.
Molecular consequence: frameshift variant.
Genome position (GRCh38, 1-based): chr19:13,286,934, C deleted on the plus strand (G on the coding strand, the reverse complement: CACNA1A is on the minus strand); the first of 3 consecutive C bases (chr19:13,286,934-13,286,936); deleting any one gives the same sequence. VCF-style (leftmost placement, unchanged base first): chr19-13286933-GC-G. GRCh37 (hg19) VCF-style: chr19-13397747-GC-G.
Other names: c.3134del, p.Gly1045fs (NM_000068.4, NM_023035.3); c.3125del, p.Gly1042fs (NM_001127221.2, NM_001174080.2); short protein forms G1045fs, G1041fs, G1042fs.
Identifiers: ClinVar variation 2089680 (VCV002089680.4), dbSNP rs2512858290, ClinGen allele CA2580096586.